The following is an entry in ClinVar:

NM_000092.5(COL4A4):c.2860+3A>C

Gene: COL4A4 (collagen type IV alpha 4 chain; minus strand). Cytogenetic location: 2q36.3.
Variant type: single nucleotide variant.
Coding change: c.2860+3A>C on transcript NM_000092.5 (MANE Select); 3 bases into the intron after coding-DNA position 2860, A replaced by C.
Molecular consequence: intron variant.
Genome position (GRCh38, 1-based): chr2:227,054,591, T>G on the plus strand (A>C on the coding strand, the complement: COL4A4 is on the minus strand). VCF-style: chr2-227054591-T-G. GRCh37 (hg19) VCF-style: chr2-227919307-T-G.
Identifiers: ClinVar variation 1702617 (VCV001702617.4), dbSNP rs1214723450, ClinGen allele CA539874944.

ClinVar aggregate classification (germline): Uncertain significance. Review status: criteria provided, multiple submitters, no conflicts (2 of 4 stars). 2 submissions from 2 submitters: Uncertain significance (2). Last evaluated 2024-03-28.

Conditions:
Autosomal recessive Alport syndrome (ATS2). Also called: Alport syndrome type 2; ALPORT SYNDROME 2, AUTOSOMAL RECESSIVE; COL4A3-Related Nephropathy; COL4A4 Alport Syndrome and Thin Basement Membrane Nephropathy. Identifiers: Orphanet 63, Orphanet 88919, MedGen C4746745, MONDO:0008762, OMIM 203780.
Hematuria, benign familial, 1 (BFH1). Also called: THIN MEMBRANE NEPHROPATHY. Identifiers: MedGen CN376803, MONDO:0007709, OMIM 141200.

Allele frequency attached by ClinVar (database versions not stated): gnomAD exomes below 0.00001 and 0.00001; TOPMed below 0.00001; gnomAD 0.00001.
gnomAD v4.1: 6 of 1,614,034 alleles (0.00037%); highest among the groups gnomAD compares: Non-Finnish European, 0.00051%; no homozygotes.

Submissions (2):

Fulgent Genetics
Classification: Uncertain significance for Hematuria, benign familial, 1; Autosomal recessive Alport syndrome. Last evaluated: 2024-03-28. Review status: criteria provided, single submitter. Criteria: ACMG Guidelines, 2015. Collection method: clinical testing. Allele origin: germline.

GeneDx
Classification: Uncertain significance. Last evaluated: 2024-03-27. Review status: criteria provided, single submitter. Criteria: GeneDx Variant Classification Process June 2021. Collection method: clinical testing. Allele origin: germline.
Comment: Not observed at significant frequency in large population cohorts (gnomAD); In silico analysis is inconclusive as to whether the variant alters gene splicing. In the absence of RNA/functional studies, the actual effect of this sequence change is unknown.; Has not been previously published as pathogenic or benign to our knowledge